The following is an entry in ClinVar:

ClinVar aggregate classification (germline): Benign/Likely benign. Review status: criteria provided, multiple submitters, no conflicts (2 of 4 stars). 8 submissions from 8 submitters: Benign (3); Likely benign (5). Last evaluated 2026-08-03.

Conditions:
Familial colorectal cancer type X. Identifiers: Orphanet 440437, MedGen C3896578, MONDO:0018604.

Allele frequency attached by ClinVar (database versions not stated): ExAC 0.00063; 1000 Genomes Project 30x 0.00094; gnomAD 0.00020 and 0.00011; 1000 Genomes Project 0.00100; TOPMed 0.00009; gnomAD exomes 0.00055 and 0.00036.
gnomAD v4.1: 555 of 1,606,120 alleles (0.035%); highest among the groups gnomAD compares: South Asian, 0.34%; 3 homozygotes.

Submissions (8):

Myriad Genetics, Inc.
Classification: Benign for Familial colorectal cancer type X. Last evaluated: 2026-08-03. Review status: criteria provided, single submitter. Criteria: Myriad Autosomal Dominant, Autosomal Recessive and X-Linked Classification Criteria (2023). Collection method: clinical testing. Allele origin: unknown.
Comment: This variant is considered benign. This variant is a silent/synonymous amino acid change and it is not expected to impact splicing.

Labcorp Genetics (formerly Invitae), Labcorp
Classification: Benign. Last evaluated: 2026-01-24. Review status: criteria provided, single submitter. Criteria: Invitae Variant Classification Sherloc (09022015). Collection method: clinical testing. Allele origin: germline.

Center for Genomic Medicine, Rigshospitalet, Copenhagen University Hospital
Classification: Likely benign. Last evaluated: 2025-03-04. Review status: criteria provided, single submitter. Criteria: ACMG Guidelines, 2015. Collection method: clinical testing. Allele origin: germline.

Blueprint Genetics
Classification: Likely benign. Last evaluated: 2024-11-12. Review status: criteria provided, single submitter. Criteria: ACMG Guidelines, 2015. Collection method: clinical testing. Allele origin: germline.

CeGaT Center for Human Genetics Tuebingen
Classification: Likely benign. Last evaluated: 2024-03-01. Review status: criteria provided, single submitter. Criteria: CeGaT Center For Human Genetics Tuebingen Variant Classification Criteria Version 2. Collection method: clinical testing. Allele origin: germline. Affected: yes. Observed: 1 variant allele.
Comment: RPS20: BP4, BP7, BS2

Department of Pathology and Laboratory Medicine, Sinai Health System
Classification: Likely benign for Familial colorectal cancer type X. Last evaluated: 2023-07-11. Review status: criteria provided, single submitter. Criteria: ACMG Guidelines, 2015. Collection method: clinical testing. Allele origin: germline. Affected: yes.

Ambry Genetics
Classification: Likely benign. Last evaluated: 2022-02-15. Review status: criteria provided, single submitter. Criteria: Ambry Variant Classification Scheme 2023. Collection method: clinical testing. Allele origin: germline.

Breakthrough Genomics
Classification: Benign. Review status: criteria provided, single submitter. Criteria: ACMG Guidelines, 2015. Collection method: not provided. Allele origin: germline. Inheritance: Unknown mechanism. Affected: yes.

NM_001023.4(RPS20):c.228G>A (p.Thr76=)

Gene: RPS20 (ribosomal protein S20; minus strand). Cytogenetic location: 8q12.1.
Variant type: single nucleotide variant.
Coding change: c.228G>A on transcript NM_001023.4 (MANE Select); coding-DNA position 228, G replaced by A.
Protein change: p.Thr76=; no amino-acid change (threonine 76 retained).
Molecular consequence: synonymous variant.
Genome position (GRCh38, 1-based): chr8:56,073,222, C>T on the plus strand (G>A on the coding strand, the complement: RPS20 is on the minus strand). VCF-style: chr8-56073222-C-T. GRCh37 (hg19) VCF-style: chr8-56985781-C-T.
Other names: c.228G>A, p.Thr76= (NM_001146227.3); c.228G>A (NM_001146227.2).
Identifiers: ClinVar variation 734737 (VCV000734737.41), dbSNP rs540124601, ClinGen allele CA4754325.